The following is an entry in ClinVar:

ClinVar aggregate classification (germline): Pathogenic (1 of 4 stars; one submission).

Conditions:
Peutz-Jeghers syndrome (PJS). Also called: POLYPOSIS, HAMARTOMATOUS INTESTINAL; POLYPS-AND-SPOTS SYNDROME; Peutz-Jeghers polyposis; Periorificial lentiginosis syndrome. Identifiers: Orphanet 2869, MedGen C0031269, MeSH D010580, MONDO:0008280, OMIM 175200.

Submissions (4):

Labcorp Genetics (formerly Invitae), Labcorp
Classification: Pathogenic for Peutz-Jeghers syndrome. Last evaluated: 2018-04-18. Review status: criteria provided, single submitter. Criteria: Invitae Variant Classification Sherloc (09022015). Collection method: clinical testing. Allele origin: germline.
Comment: This variant is not present in population databases (ExAC no frequency). Donor and acceptor splice site variants typically lead to a loss of protein function (PMID: 16199547), and loss-of-function variants in STK11 are known to be pathogenic (PMID: 15188174, 16287113). For these reasons, this variant has been classified as Pathogenic. This sequence change affects an acceptor splice site in intron 1 of the STK11 gene. It is expected to disrupt RNA splicing and likely results in an absent or disrupted protein product.

Dr. Peter K. Rogan Lab, Western University
No classification provided (evidence only). Condition: Lung cancer. Review status: no classification provided. Collection method: in vitro. Allele origin: not applicable. Functional consequence: retained intron. Not counted in ClinVar's aggregate classification.

Dr. Peter K. Rogan Lab, Western University
No classification provided (evidence only). Condition: Lung cancer. Review status: no classification provided. Collection method: in vitro. Allele origin: not applicable. Functional consequence: retained intron. Not counted in ClinVar's aggregate classification.

MutSpliceDB: a database of splice sites variants effects on splicing, NIH
No classification provided (evidence only). Review status: no classification provided. Collection method: in vivo. Allele origin: not applicable. Functional consequence: retained intron. Not counted in ClinVar's aggregate classification.

Literature cited by the submitters: PubMed 11103790 (cited by Labcorp Genetics (formerly Invitae), Labcorp); PubMed 16199547 (cited by Labcorp Genetics (formerly Invitae), Labcorp); PubMed 15188174 (cited by Labcorp Genetics (formerly Invitae), Labcorp); PubMed 16287113 (cited by Labcorp Genetics (formerly Invitae), Labcorp).

NM_000455.5(STK11):c.291-1G>T

Gene: STK11 (serine/threonine kinase 11; plus strand). Cytogenetic location: 19p13.3.
Variant type: single nucleotide variant.
Coding change: c.291-1G>T on transcript NM_000455.5 (MANE Select); the canonical splice acceptor site of the intron before coding-DNA position 291, G replaced by T.
Molecular consequence: splice acceptor variant.
Genome position (GRCh38, 1-based): chr19:1,218,416, G>T. VCF-style: chr19-1218416-G-T. GRCh37 (hg19) VCF-style: chr19-1218415-G-T.
Other names: NM_000455.5:c.291-1G>T; c.291-1G>T (NM_001407255.1).
Identifiers: ClinVar variation 574932 (VCV000574932.13), dbSNP rs112675807, ClinGen allele CA402947616.